The following is an entry in ClinVar:

ClinVar aggregate classification (germline): Uncertain significance (1 of 4 stars; one submission).

Allele frequency attached by ClinVar (database versions not stated): gnomAD exomes 0.00001; TOPMed 0.00001.

Submission:

Labcorp Genetics (formerly Invitae), Labcorp
Classification: Uncertain significance. Last evaluated: 2022-08-12. Review status: criteria provided, single submitter. Criteria: Invitae Variant Classification Sherloc (09022015). Collection method: clinical testing. Allele origin: germline.
Comment: In summary, the available evidence is currently insufficient to determine the role of this variant in disease. Therefore, it has been classified as a Variant of Uncertain Significance. Algorithms developed to predict the effect of missense changes on protein structure and function are either unavailable or do not agree on the potential impact of this missense change (SIFT: "Tolerated"; PolyPhen-2: "Possibly Damaging"; Align-GVGD: "Class C0"). This variant has not been reported in the literature in individuals affected with TNFAIP3-related conditions. This variant is present in population databases (no rsID available, gnomAD 0.002%). This sequence change replaces arginine, which is basic and polar, with tryptophan, which is neutral and slightly polar, at codon 16 of the TNFAIP3 protein (p.Arg16Trp).

NM_001270508.2(TNFAIP3):c.46C>T (p.Arg16Trp)

Gene: TNFAIP3 (TNF alpha induced protein 3; plus strand). Cytogenetic location: 6q23.3.
Variant type: single nucleotide variant.
Coding change: c.46C>T on transcript NM_001270508.2 (MANE Select); coding-DNA position 46, C replaced by T.
Protein change: p.Arg16Trp; replaces arginine 16 with tryptophan.
Molecular consequence: missense variant.
Genome position (GRCh38, 1-based): chr6:137,871,273, C>T. VCF-style: chr6-137871273-C-T. GRCh37 (hg19) VCF-style: chr6-138192410-C-T.
Other names: c.46C>T, p.Arg16Trp (NM_001270507.2, NM_006290.4); short protein forms R16W.
Identifiers: ClinVar variation 1716233 (VCV001716233.5), dbSNP rs1414718116, ClinGen allele CA365779594.